The following is an entry in ClinVar:

NM_133642.5(LARGE1):c.478G>A (p.Val160Ile)

Gene: LARGE1 (LARGE xylosyl- and glucuronyltransferase 1; minus strand). Cytogenetic location: 22q12.3.
Variant type: single nucleotide variant.
Coding change: c.478G>A on transcript NM_133642.5 (MANE Select); coding-DNA position 478, G replaced by A.
Protein change: p.Val160Ile; replaces valine 160 with isoleucine.
Molecular consequence: missense variant.
Genome position (GRCh38, 1-based): chr22:33,626,257, C>T on the plus strand (G>A on the coding strand, the complement: LARGE1 is on the minus strand). VCF-style: chr22-33626257-C-T. GRCh37 (hg19) VCF-style: chr22-34022241-C-T.
Other names: c.478G>A (NM_004737.6); c.478G>A, p.Val160Ile (NM_001362949.2, NM_001362951.2, NM_001362953.2 and 7 more transcripts); short protein forms V160I.
Identifiers: ClinVar variation 533116 (VCV000533116.8), dbSNP rs775539988, ClinGen allele CA10203034.

ClinVar aggregate classification (germline): Uncertain significance. Review status: criteria provided, multiple submitters, no conflicts (2 of 4 stars). 2 submissions from 2 submitters: Uncertain significance (2). Last evaluated 2022-07-30.

Conditions:
Muscular dystrophy-dystroglycanopathy type B6 (MDDGB6). Also called: MUSCULAR DYSTROPHY-DYSTROGLYCANOPATHY (CONGENITAL WITH IMPAIRED INTELLECTUAL DEVELOPMENT), TYPE B, 6; MUSCULAR DYSTROPHY, CONGENITAL, LARGE-RELATED; MUSCULAR DYSTROPHY, CONGENITAL, TYPE 1D. Identifiers: MedGen C1837229, MONDO:0012138, OMIM 608840.

Allele frequency attached by ClinVar (database versions not stated): ExAC 0.00002; gnomAD exomes 0.00003 and 0.00006; TOPMed 0.00006; gnomAD 0.00010.
gnomAD v4.1: 90 of 1,613,830 alleles (0.0056%); highest among the groups gnomAD compares: East Asian, 0.011%; no homozygotes.

Submissions (2):

Labcorp Genetics (formerly Invitae), Labcorp
Classification: Uncertain significance for Muscular dystrophy-dystroglycanopathy type B6. Last evaluated: 2022-07-30. Review status: criteria provided, single submitter. Criteria: Invitae Variant Classification Sherloc (09022015). Collection method: clinical testing. Allele origin: germline.
Comment: This sequence change replaces valine, which is neutral and non-polar, with isoleucine, which is neutral and non-polar, at codon 160 of the LARGE1 protein (p.Val160Ile). This variant is present in population databases (rs775539988, gnomAD 0.01%). This variant has not been reported in the literature in individuals affected with LARGE1-related conditions. ClinVar contains an entry for this variant (Variation ID: 533116). Algorithms developed to predict the effect of missense changes on protein structure and function (SIFT, PolyPhen-2, Align-GVGD) all suggest that this variant is likely to be tolerated. In summary, the available evidence is currently insufficient to determine the role of this variant in disease. Therefore, it has been classified as a Variant of Uncertain Significance.

Revvity Omics, Revvity
Classification: Uncertain significance. Last evaluated: 2021-06-16. Review status: criteria provided, single submitter. Criteria: ACMG Guidelines, 2015. Collection method: clinical testing. Allele origin: germline.